The following is an entry in ClinVar:

ClinVar aggregate classification (germline): Pathogenic (1 of 4 stars; one submission).

Submission:

Labcorp Genetics (formerly Invitae), Labcorp
Classification: Pathogenic. Last evaluated: 2021-11-22. Review status: criteria provided, single submitter. Criteria: Invitae Variant Classification Sherloc (09022015). Collection method: clinical testing. Allele origin: germline.
Comment: This sequence change creates a premature translational stop signal (p.Val605Aspfs*29) in the OPA1 gene. It is expected to result in an absent or disrupted protein product. Loss-of-function variants in OPA1 are known to be pathogenic (PMID: 11440988, 20157015, 20952381, 25012220). This variant is not present in population databases (gnomAD no frequency). This variant has not been reported in the literature in individuals affected with OPA1-related conditions. For these reasons, this variant has been classified as Pathogenic.

Literature cited by the submitters: PubMed 11440988; PubMed 20157015; PubMed 20952381; PubMed 25012220.

NM_130837.3(OPA1):c.1979_1980del (p.Val660fs)

Gene: OPA1 (OPA1 mitochondrial dynamin like GTPase; plus strand). Cytogenetic location: 3q29.
Variant type: Deletion.
Coding change: c.1979_1980del on transcript NM_130837.3 (MANE Select); coding-DNA positions 1979 to 1980, 2 bases deleted (TT; older notation c.1979_1980delTT).
Protein change: p.Val660fs; shifts the reading frame from valine 660.
Molecular consequence: frameshift variant.
Genome position (GRCh38, 1-based): chr3:193,648,838-193,648,839, TT deleted. VCF-style (leftmost placement, unchanged base first): chr3-193648837-GTT-G. GRCh37 (hg19) VCF-style: chr3-193366626-GTT-G.
Other names: c.1760_1761del, p.Val587fs (NM_130832.3); c.1817_1818del, p.Val606fs (NM_130833.3); c.1868_1869del, p.Val623fs (NM_130834.3); c.1871_1872del, p.Val624fs (NM_130835.3); c.1925_1926del, p.Val642fs (NM_130836.3); c.1445_1446del, p.Val482fs (NM_001354663.2); c.1442_1443del, p.Val481fs (NM_001354664.2); c.1814_1815del, p.Val605fs (NM_015560.3); and 1 more; short protein forms V482fs, V587fs, V605fs, V624fs, V623fs, V642fs, V660fs, V481fs.
Identifiers: ClinVar variation 1451913 (VCV001451913.6), dbSNP rs2109083888, ClinGen allele CA2573136860.